The following is an entry in ClinVar:

NM_001040142.2(SCN2A):c.631G>A (p.Gly211Ser)

Gene: SCN2A (sodium voltage-gated channel alpha subunit 2; plus strand). Cytogenetic location: 2q24.3.
Variant type: single nucleotide variant.
Coding change: c.631G>A on transcript NM_001040142.2 (MANE Select); coding-DNA position 631, G replaced by A.
Protein change: p.Gly211Ser; replaces glycine 211 with serine.
Molecular consequence: missense variant. On other transcripts: intron variant (2).
Genome position (GRCh38, 1-based): chr2:165,309,377, G>A. VCF-style: chr2-165309377-G-A. GRCh37 (hg19) VCF-style: chr2-166165887-G-A.
Other names: c.631G>A, p.Gly211Ser (NM_001371247.1, NM_021007.3); c.697+121G>A (NM_001040143.2, NM_001371246.1); short protein forms G211S.
Identifiers: ClinVar variation 3753652 (VCV003753652.2).

ClinVar aggregate classification (germline): Pathogenic (1 of 4 stars; one submission).

Conditions:
Developmental and epileptic encephalopathy, 11 (DEE11). Also called: Early infantile epileptic encephalopathy 11. Identifiers: Orphanet 1934, MedGen C3150987, MONDO:0013388, OMIM 613721.
Seizures, benign familial infantile, 3 (BFIS3). Also called: CONVULSIONS, BENIGN FAMILIAL INFANTILE, 3; Familial neonatal seizures. Identifiers: Orphanet 140927, Orphanet 306, MedGen C1843140, MONDO:0011904, OMIM 607745.

Submission:

Labcorp Genetics (formerly Invitae), Labcorp
Classification: Pathogenic for Seizures, benign familial infantile, 3; Developmental and epileptic encephalopathy, 11. Last evaluated: 2024-08-30. Review status: criteria provided, single submitter. Criteria: Invitae Variant Classification Sherloc (09022015). Collection method: clinical testing. Allele origin: germline.
Comment: This sequence change replaces glycine, which is neutral and non-polar, with serine, which is neutral and polar, at codon 211 of the SCN2A protein (p.Gly211Ser). This variant is not present in population databases (gnomAD no frequency). This missense change has been observed in individual(s) with clinical features of SCN2A-related conditions (internal data). In at least one individual the variant was observed to be de novo. Invitae Evidence Modeling of protein sequence and biophysical properties (such as structural, functional, and spatial information, amino acid conservation, physicochemical variation, residue mobility, and thermodynamic stability) indicates that this missense variant is expected to disrupt SCN2A protein function with a positive predictive value of 95%. This variant disrupts the p.Gly211 amino acid residue in SCN2A. Other variant(s) that disrupt this residue have been determined to be pathogenic (PMID: 23662938, 29655203). This suggests that this residue is clinically significant, and that variants that disrupt this residue are likely to be disease-causing. For these reasons, this variant has been classified as Pathogenic.

Literature cited by the submitters: PubMed 23662938; PubMed 29655203.